The following is an entry in ClinVar:

NM_014452.5(TNFRSF21):c.1020A>G (p.Leu340=)

Gene: TNFRSF21 (TNF receptor superfamily member 21; minus strand). Cytogenetic location: 6p12.3.
Variant type: single nucleotide variant.
Coding change: c.1020A>G on transcript NM_014452.5 (MANE Select); coding-DNA position 1020, A replaced by G.
Protein change: p.Leu340=; no amino-acid change (leucine 340 retained).
Molecular consequence: synonymous variant.
Genome position (GRCh38, 1-based): chr6:47,284,161, T>C on the plus strand (A>G on the coding strand, the complement: TNFRSF21 is on the minus strand). VCF-style: chr6-47284161-T-C. GRCh37 (hg19) VCF-style: chr6-47251897-T-C.
Identifiers: ClinVar variation 4980049 (VCV004980049.1).

ClinVar aggregate classification (germline): Likely benign (1 of 4 stars; one submission).

Conditions:
TNFRSF21-related condition.

gnomAD v4.1: 160 of 1,614,218 alleles (0.0099%); highest among the groups gnomAD compares: South Asian, 0.14%; 2 homozygotes.

Submission:

PreventionGenetics, part of Exact Sciences
Classification: Likely benign for TNFRSF21-related condition. Last evaluated: 2025-04-17. Review status: criteria provided, single submitter. Criteria: ACMG Guidelines, 2015. Collection method: clinical testing. Allele origin: germline.
Comment: This variant is classified as likely benign based on ACMG/AMP sequence variant interpretation guidelines (Richards et al. 2015 PMID: 25741868, with internal and published modifications).